The following is an entry in ClinVar:

ClinVar aggregate classification (germline): Likely benign. Review status: reviewed by expert panel (3 of 4 stars). 9 submissions from 9 submitters: Likely benign (1). 8 of the submissions do not count toward it. Last evaluated 2017-06-29.

Conditions:
Hereditary cancer-predisposing syndrome. Also called: Tumor predisposition; Hereditary Cancer Syndrome; Hereditary neoplastic syndrome; Neoplastic Syndromes, Hereditary. Identifiers: Orphanet 140162, MedGen C0027672, MeSH D009386, MONDO:0015356.
Fanconi anemia, complementation group S (FANCS). Identifiers: MedGen C4554406, MONDO:0054748, OMIM 617883.
Hereditary breast ovarian cancer syndrome. Also called: Hereditary breast and ovarian cancer; Hereditary breast and ovarian cancer syndrome; Hereditary breast and/or ovarian cancer syndrome; Hereditary breast and ovarian cancer syndrome (HBOC); BRCA1- and BRCA2-Associated Hereditary Breast and Ovarian Cancer; Breast and ovarian cancer. Identifiers: Orphanet 145, MedGen C0677776, MeSH D061325, MONDO:0003582. Disease mechanism: loss of function.
Breast-ovarian cancer, familial, susceptibility to, 1 (BROVCA1). Also called: BRCA1 Hereditary Breast and Ovarian Cancer; OVARIAN CANCER, SUSCEPTIBILITY TO. Identifiers: Orphanet 145, MedGen C2676676, MONDO:0011450, OMIM 604370. Disease mechanism: loss of function.

Allele frequency attached by ClinVar (database versions not stated): gnomAD exomes 0.00002 and 0.00004; TOPMed 0.00002; gnomAD 0.00003; ExAC 0.00005; ESP Exome Variant Server 0.00008.
gnomAD v4.1: 29 of 1,614,128 alleles (0.0018%); highest among the groups gnomAD compares: South Asian, 0.024%; no homozygotes.

Submissions (9):

Evidence-based Network for the Interpretation of Germline Mutant Alleles (ENIGMA)
Classification: Likely benign for Breast-ovarian cancer, familial, susceptibility to, 1. Last evaluated: 2017-06-29. Review status: reviewed by expert panel. Criteria: ENIGMA BRCA1/2 Classification Criteria (2017-06-29). Collection method: curation. Allele origin: germline.
Comment: Synonymous substitution variant, with low bioinformatic likelihood to result in a splicing aberration (Splicing prior probability 0.02).

Women's Health and Genetics/Laboratory Corporation of America, LabCorp
Classification: Likely benign. Last evaluated: 2026-05-17. Review status: criteria provided, single submitter. Criteria: LabCorp Variant Classification Summary - May 2015. Collection method: clinical testing. Allele origin: germline. Not counted in ClinVar's aggregate classification.

Labcorp Genetics (formerly Invitae), Labcorp
Classification: Likely benign for Hereditary breast ovarian cancer syndrome. Last evaluated: 2025-06-10. Review status: criteria provided, single submitter. Criteria: Invitae Variant Classification Sherloc (09022015). Collection method: clinical testing. Allele origin: germline. Not counted in ClinVar's aggregate classification.

CeGaT Center for Human Genetics Tuebingen
Classification: Likely benign. Last evaluated: 2025-03-01. Review status: criteria provided, single submitter. Criteria: CeGaT Center For Human Genetics Tuebingen Variant Classification Criteria Version 2. Collection method: clinical testing. Allele origin: germline. Affected: yes. Observed: 1 variant allele. Not counted in ClinVar's aggregate classification.
Comment: BRCA1: BP4, BP7

Department of Pathology and Laboratory Medicine, Sinai Health System
Classification: Likely benign for Fanconi anemia, complementation group S. Last evaluated: 2022-02-04. Review status: criteria provided, single submitter. Criteria: ACMG Guidelines, 2015. Collection method: clinical testing. Allele origin: germline. Affected: no. Not counted in ClinVar's aggregate classification.

GeneDx
Classification: Likely benign. Last evaluated: 2020-02-04. Review status: criteria provided, single submitter. Criteria: GeneDx Variant Classification Process June 2021. Collection method: clinical testing. Allele origin: germline. Affected: yes. Not counted in ClinVar's aggregate classification.
Comment: This variant is associated with the following publications: (PMID: 22486713)

Color Diagnostics, LLC DBA Color Health
Classification: Likely benign for Hereditary cancer-predisposing syndrome. Last evaluated: 2017-09-24. Review status: criteria provided, single submitter. Criteria: ACMG Guidelines, 2015. Collection method: clinical testing. Allele origin: germline. Not counted in ClinVar's aggregate classification.

Ambry Genetics
Classification: Likely benign for Hereditary cancer-predisposing syndrome. Last evaluated: 2016-03-08. Review status: criteria provided, single submitter. Criteria: Ambry Variant Classification Scheme 2023. Collection method: clinical testing. Allele origin: germline. Not counted in ClinVar's aggregate classification.

Mayo Clinic Laboratories, Mayo Clinic
Classification: Likely benign. Last evaluated: 2018-02-28. Review status: no assertion criteria provided. Collection method: clinical testing. Allele origin: unknown. Not counted in ClinVar's aggregate classification.

NM_007294.4(BRCA1):c.3822A>C (p.Val1274=)

Genes: BRCA1 (BRCA1 DNA repair associated; minus strand), LOC126862571 (BRD4-independent group 4 enhancer GRCh37_chr17:41243136-41244335; plus strand). Cytogenetic location: 17q21.31.
Variant type: single nucleotide variant.
Coding change: c.3822A>C on transcript NM_007294.4 (MANE Select); coding-DNA position 3822, A replaced by C.
Protein change: p.Val1274=; no amino-acid change (valine 1274 retained).
Molecular consequence: synonymous variant. On other transcripts: intron variant (135).
Genome position (GRCh38, 1-based): chr17:43,091,709, T>G on the plus strand (A>C on the coding strand, the complement: BRCA1 is on the minus strand). VCF-style: chr17-43091709-T-G. GRCh37 (hg19) VCF-style: chr17-41243726-T-G.
Other names: c.710-677A>C (NM_001408415.1, NM_001408412.1, NM_001408409.1 and 2 more transcripts); c.578-677A>C (NM_001408483.1, NM_001408481.1, NM_001408480.1 and 9 more transcripts); c.665-677A>C (NM_001408442.1, NM_001408426.1, NM_001408436.1 and 12 more transcripts); c.788-677A>C (NM_001407982.1, NM_001407970.1, NM_001407980.1 and 17 more transcripts); c.3609A>C, p.Val1203= (NM_001407571.1, NM_001407853.1, NM_001407894.1 and 9 more transcripts); c.3822A>C, p.Val1274= (NM_001407581.1, NM_001407582.1, NM_001407583.1 and 30 more transcripts); c.3819A>C, p.Val1273= (NM_001407587.1, NM_001407590.1, NM_001407591.1 and 22 more transcripts); c.3813A>C, p.Val1271= (NM_001407646.1, NM_001407647.1); and 41 more.
Identifiers: ClinVar variation 380248 (VCV000380248.34), dbSNP rs372396487, ClinGen allele CA063269.
Genomic context (GRCh38, chr17:43,091,709, plus strand): 5'-GCTAGCAGAACATTTTGTTTCCTCACTAAGGTGATGTTCCTGAGATGCCTTTGCCAATAT[T>G]ACCTGGTTACTGCAGTCATTTAAGCTATTCTTCAATGATAATAAATTCTCCTCTGTGTTC-3'
Protein context (NP_009225.1, residues 1264-1284): KNSLNDCSNQ[Val1274=]ILAKASQEHH